The following is an entry in ClinVar:

ClinVar aggregate classification (germline): Uncertain significance (1 of 4 stars; one submission).

Conditions:
Hereditary cancer-predisposing syndrome. Also called: Tumor predisposition; Hereditary Cancer Syndrome; Hereditary neoplastic syndrome; Neoplastic Syndromes, Hereditary. Identifiers: Orphanet 140162, MedGen C0027672, MeSH D009386, MONDO:0015356.

Submission:

Ambry Genetics
Classification: Uncertain significance for Hereditary cancer-predisposing syndrome. Last evaluated: 2024-03-16. Review status: criteria provided, single submitter. Criteria: Ambry Variant Classification Scheme 2023. Collection method: clinical testing. Allele origin: germline.
Comment: The p.P32T variant (also known as c.94C>A), located in coding exon 1 of the ALK gene, results from a C to A substitution at nucleotide position 94. The proline at codon 32 is replaced by threonine, an amino acid with highly similar properties. This amino acid position is conserved. In addition, this alteration is predicted to be tolerated by in silico analysis. Based on the available evidence, the clinical significance of this alteration remains unclear.

NM_004304.5(ALK):c.94C>A (p.Pro32Thr)

Gene: ALK (ALK receptor tyrosine kinase; minus strand). Cytogenetic location: 2p23.1.
Variant type: single nucleotide variant.
Coding change: c.94C>A on transcript NM_004304.5 (MANE Select); coding-DNA position 94, C replaced by A.
Protein change: p.Pro32Thr; replaces proline 32 with threonine.
Molecular consequence: missense variant.
Genome position (GRCh38, 1-based): chr2:29,920,566, G>T on the plus strand (C>A on the coding strand, the complement: ALK is on the minus strand). VCF-style: chr2-29920566-G-T. GRCh37 (hg19) VCF-style: chr2-30143432-G-T.
Other names: short protein forms P32T.
Identifiers: ClinVar variation 3285647 (VCV003285647.1).